The following is an entry in ClinVar:

NM_000216.4(ANOS1):c.1137C>G (p.Tyr379Ter)

Gene: ANOS1 (anosmin 1; minus strand). Cytogenetic location: Xp22.31.
Variant type: single nucleotide variant.
Coding change: c.1137C>G on transcript NM_000216.4 (MANE Select); coding-DNA position 1137, C replaced by G.
Protein change: p.Tyr379Ter; replaces tyrosine 379 with a stop codon.
Molecular consequence: nonsense.
Genome position (GRCh38, 1-based): chrX:8,568,302, G>C on the plus strand (C>G on the coding strand, the complement: ANOS1 is on the minus strand). VCF-style: chrX-8568302-G-C. GRCh37 (hg19) VCF-style: chrX-8536343-G-C.
Other names: short protein forms Y379*.
Identifiers: ClinVar variation 3339001 (VCV003339001.4).
Genomic context (GRCh38, chrX:8,568,302, plus strand): 5'-TGCATGTGTCGATGTGAAGTGAAGGGACACCTTTGCACTCTTCAGCCGTGTCTGTCCCCA[G>C]TACGTTATGGCTTGCAATTCCACAACATAGTCACAGTCTGGCTGGAGTTTCTCCAGGATC-3'

ClinVar aggregate classification (germline): Pathogenic. Review status: criteria provided, multiple submitters, no conflicts (2 of 4 stars). 3 submissions from 3 submitters: Pathogenic (3). Last evaluated 2025-04-14.

Conditions:
Hypogonadotropic hypogonadism 1 with or without anosmia (HH1). Also called: Kallmann syndrome, type 1, X-linked; DYSPLASIA OLFACTOGENITALIS OF DE MORSIER; HYPOGONADOTROPIC HYPOGONADISM 1 WITH ANOSMIA; HYPOGONADOTROPIC HYPOGONADISM AND ANOSMIA; KAL1-Related GnRH Deficiency (Kallmann Syndrome 1; Kallmann Syndrome, X-Linked); Hypogonadotropic hypogonadism 1 with or without anosmia (Kallmann syndrome 1). Identifiers: Orphanet 478, MedGen C1563719, MONDO:0010635, OMIM 308700. Disease mechanism: loss of function.

Submissions (3):

Labcorp Genetics (formerly Invitae), Labcorp
Classification: Pathogenic for Hypogonadotropic hypogonadism 1 with or without anosmia. Last evaluated: 2025-04-14. Review status: criteria provided, single submitter. Criteria: Invitae Variant Classification Sherloc (09022015). Collection method: clinical testing. Allele origin: germline.
Comment: This sequence change creates a premature translational stop signal (p.Tyr379*) in the ANOS1 gene. It is expected to result in an absent or disrupted protein product. Loss-of-function variants in ANOS1 are known to be pathogenic (PMID: 8504298, 11297579). This variant is not present in population databases (gnomAD no frequency). This premature translational stop signal has been observed in individual(s) with Kallmann syndrome (PMID: 28780519). ClinVar contains an entry for this variant (Variation ID: 3339001). For these reasons, this variant has been classified as Pathogenic.

Women's Health and Genetics/Laboratory Corporation of America, LabCorp
Classification: Pathogenic for Hypogonadotropic hypogonadism 1 with or without anosmia. Last evaluated: 2024-07-09. Review status: criteria provided, single submitter. Criteria: LabCorp Variant Classification Summary - May 2015. Collection method: clinical testing. Allele origin: germline.
Comment: Variant summary: ANOS1 c.1137C>G (p.Tyr379X) results in a premature termination codon, predicted to cause a truncation of the encoded protein or absence of the protein due to nonsense mediated decay, which are commonly known mechanisms for disease. The variant was absent in 183228 control chromosomes. c.1137C>G has been reported in the literature in at least one hemizygous male individual affected with Kallmann Syndrome/Hypogonadotropic Hypogonadism 1 With Or Without Anosmia (e.g. Nie_2017). These data suggest the variant is likely associated with disease. To our knowledge, no experimental evidence demonstrating an impact on protein function has been reported. The following publication has been ascertained in the context of this evaluation (PMID: 28780519). No submitters have cited clinical-significance assessments for this variant to ClinVar. Based on the evidence outlined above, the variant was classified as pathogenic.

Juno Genomics, Hangzhou Juno Genomics, Inc
Classification: Pathogenic for Hypogonadotropic hypogonadism 1 with or without anosmia. Review status: criteria provided, single submitter. Criteria: ACMG Guidelines, 2015. Collection method: clinical testing. Allele origin: germline. Affected: yes.
Comment: Absent from controls (or at extremely low frequency if recessive) in Genome Aggregation Database, Exome Sequencing Project, 1000 Genomes Project, or Exome Aggregation Consortium.;Null variant in a gene where loss of function (LOF) is a known mechanism of disease.;The prevalence of the variant in affected individuals is significantly increased compared to the prevalence in controls.;Patient's phenotype or family history is highly specific for a disease with a single genetic etiology.

Literature cited by the submitters: PubMed 8504298 (cited by Labcorp Genetics (formerly Invitae), Labcorp); PubMed 11297579 (cited by Labcorp Genetics (formerly Invitae), Labcorp); PubMed 28780519 (cited by Labcorp Genetics (formerly Invitae), Labcorp and Women's Health and Genetics/Laboratory Corporation of America, LabCorp).